The following is an entry in ClinVar:

NM_000492.4(CFTR):c.1301C>G (p.Ser434Ter)

Genes: CFTR (CF transmembrane conductance regulator; plus strand), CFTR-AS1 (CFTR antisense RNA 1; minus strand). Cytogenetic location: 7q31.2.
Variant type: single nucleotide variant.
Coding change: c.1301C>G on transcript NM_000492.4 (MANE Select); coding-DNA position 1301, C replaced by G.
Protein change: p.Ser434Ter; replaces serine 434 with a stop codon.
Molecular consequence: nonsense.
Genome position (GRCh38, 1-based): chr7:117,548,732, C>G. VCF-style: chr7-117548732-C-G. GRCh37 (hg19) VCF-style: chr7-117188786-C-G.
Other names: p.Ser434X; S434X; short protein forms S434*.
Identifiers: ClinVar variation 554406 (VCV000554406.17), dbSNP rs367934560, ClinGen allele CA368981821.
Genomic context (GRCh38, chr7:117,548,732, plus strand): 5'-AAAACAATAACAATAGAAAAACTTCTAATGGTGATGACAGCCTCTTCTTCAGTAATTTCT[C>G]ACTTCTTGGTACTCCTGTCCTGAAAGATATTAATTTCAAGATAGAAAGAGGACAGTTGTT-3'

ClinVar aggregate classification (germline): Pathogenic. Review status: reviewed by expert panel (3 of 4 stars). 8 submissions from 8 submitters: Pathogenic (1). 7 of the submissions do not count toward it. Last evaluated 2020-07-31.

Conditions:
Cystic fibrosis (CF). Also called: MUCOVISCIDOSIS. Identifiers: Orphanet 586, MedGen C0010674, MONDO:0009061, OMIM 219700. Disease mechanism: loss of function.
CFTR-related disorder (CFTR-RD). Also called: CFTR-related disorders; CFTR-related condition. Identifiers: MedGen C5924204, MONDO:7770004.

Submissions (8):

CFTR2
Classification: Pathogenic for Cystic fibrosis. Last evaluated: 2020-07-31. Review status: reviewed by expert panel. Criteria: Submitter's publication and website. Collection method: research. Allele origin: germline. Affected: yes.

Natera, Inc.
Classification: Pathogenic for CFTR-related disorders. Last evaluated: 2025-05-14. Review status: criteria provided, single submitter. Criteria: Natera Variant Classification Schema (03/2026). Collection method: clinical testing. Allele origin: germline. Not counted in ClinVar's aggregate classification.
Comment: The c.1301C>G variant in CFTR is a nonsense variant predicted to introduce a stop codon at amino acid 434. This variant is expected to result in nonsense mediated decay, truncation, or a dysfunctional protein product. This variant is rare in the general population with a frequency below the threshold expected for the associated phenotype(s). This variant has been observed in one or more individuals affected with the associated recessive disease, as either homozygous or compound heterozygous with a second variant (PMID: 10425081, 27131402). Given the available evidence, this variant is classified as Pathogenic.

Johns Hopkins Genomics, Johns Hopkins University
Classification: Pathogenic for Cystic fibrosis. Last evaluated: 2025-01-23. Review status: criteria provided, single submitter. Criteria: ACMG Guidelines, 2015. Collection method: clinical testing. Allele origin: germline. Not counted in ClinVar's aggregate classification.
Comment: Disease-causing CFTR variant. See CFTR2 for phenotype information.

Women's Health and Genetics/Laboratory Corporation of America, LabCorp
Classification: Pathogenic for Cystic fibrosis. Last evaluated: 2024-12-04. Review status: criteria provided, single submitter. Criteria: LabCorp Variant Classification Summary - May 2015. Collection method: clinical testing. Allele origin: germline. Not counted in ClinVar's aggregate classification.
Comment: Variant summary: CFTR c.1301C>G (p.Ser434X) results in a premature termination codon, predicted to cause a truncation of the encoded protein or absence of the protein due to nonsense mediated decay, which are commonly known mechanisms for disease. The variant was absent in 244602 control chromosomes. c.1301C>G has been reported in the literature in individuals affected with Cystic Fibrosis (Sontag_2016). To our knowledge, no experimental evidence demonstrating an impact on protein function has been reported. The following publication has been ascertained in the context of this evaluation (PMID: 27131402). ClinVar contains an entry for this variant (Variation ID: 554406). Based on the evidence outlined above, the variant was classified as pathogenic.

Institute of Human Genetics, University of Leipzig Medical Center
Classification: Pathogenic for Cystic fibrosis. Last evaluated: 2022-09-05. Review status: criteria provided, single submitter. Criteria: ACMG Guidelines, 2015. Collection method: curation. Allele origin: unknown. Affected: yes. Observed: 1 variant allele. Not counted in ClinVar's aggregate classification.
Comment: The variant was classified in the context of a project re-classifying variants in the German Cystic Fibrosis Registry (Muko.e.V.). Criteria applied: PVS1, PM3_VSTR, PM2_SUP, PP4

Labcorp Genetics (formerly Invitae), Labcorp
Classification: Pathogenic for Cystic fibrosis. Last evaluated: 2020-11-04. Review status: criteria provided, single submitter. Criteria: Invitae Variant Classification Sherloc (09022015). Collection method: clinical testing. Allele origin: germline. Not counted in ClinVar's aggregate classification.
Comment: For these reasons, this variant has been classified as Pathogenic. Loss-of-function variants in CFTR are known to be pathogenic (PMID: 1695717, 7691345, 9725922). This variant has been observed in individual(s) with cystic fibrosis (PMID: 27131402). ClinVar contains an entry for this variant (Variation ID: 554406). This variant is not present in population databases (ExAC no frequency). This sequence change creates a premature translational stop signal (p.Ser434*) in the CFTR gene. It is expected to result in an absent or disrupted protein product.

Mendelics
Classification: Pathogenic for Cystic fibrosis. Last evaluated: 2019-05-28. Review status: criteria provided, single submitter. Criteria: Mendelics Assertion Criteria 2017. Collection method: clinical testing. Allele origin: unknown. Not counted in ClinVar's aggregate classification.

Counsyl
Classification: Likely pathogenic for Cystic fibrosis. Last evaluated: 2017-10-17. Review status: no assertion criteria provided. Collection method: clinical testing. Allele origin: unknown. Not counted in ClinVar's aggregate classification.

Literature cited by the submitters: PubMed 10425081 (cited by Natera, Inc. and Counsyl); PubMed 27131402 (cited by 4 submitters); PubMed 1695717 (cited by Labcorp Genetics (formerly Invitae), Labcorp); PubMed 7691345 (cited by Labcorp Genetics (formerly Invitae), Labcorp); PubMed 9725922 (cited by Labcorp Genetics (formerly Invitae), Labcorp).